The following is an entry in ClinVar:

ClinVar aggregate classification (germline): Pathogenic/Likely pathogenic. Review status: criteria provided, multiple submitters, no conflicts (2 of 4 stars). 2 submissions from 2 submitters: Pathogenic (1); Likely pathogenic (1). Last evaluated 2024-01-09.

Conditions:
Arthrogryposis multiplex congenita 6. Identifiers: MedGen C5543431, MONDO:0030281, OMIM 619334.
Nemaline myopathy 2 (NEM2). Also called: Nemaline myopathy 2, autosomal recessive. Identifiers: MedGen C1850569, MONDO:0009725, OMIM 256030.

Allele frequency attached by ClinVar (database versions not stated): gnomAD exomes below 0.00001.

Submissions (2):

Baylor Genetics
Classification: Likely pathogenic for Arthrogryposis multiplex congenita 6. Last evaluated: 2024-01-09. Review status: criteria provided, single submitter. Criteria: ACMG Guidelines, 2015. Collection method: clinical testing. Allele origin: unknown.

Labcorp Genetics (formerly Invitae), Labcorp
Classification: Pathogenic for Nemaline myopathy 2. Last evaluated: 2023-09-23. Review status: criteria provided, single submitter. Criteria: Invitae Variant Classification Sherloc (09022015). Collection method: clinical testing. Allele origin: germline.
Comment: This sequence change creates a premature translational stop signal (p.Tyr7831Leufs*48) in the NEB gene. It is expected to result in an absent or disrupted protein product. Loss-of-function variants in NEB are known to be pathogenic (PMID: 25205138). This variant is not present in population databases (gnomAD no frequency). This variant has not been reported in the literature in individuals affected with NEB-related conditions. For these reasons, this variant has been classified as Pathogenic.

Literature cited by the submitters: PubMed 25205138 (cited by Labcorp Genetics (formerly Invitae), Labcorp).

NM_001164508.2(NEB):c.23387del (p.Tyr7796fs)

Genes: NEB (nebulin; minus strand), RIF1 (replication timing regulatory factor 1; plus strand). Cytogenetic location: 2q23.3.
Variant type: Deletion.
Coding change: c.23387del on transcript NM_001164508.2 (MANE Select); coding-DNA position 23387, one base deleted (A; older notation c.23387delA).
Protein change: p.Tyr7796fs; shifts the reading frame from tyrosine 7796.
Molecular consequence: frameshift variant.
Genome position (GRCh38, 1-based): chr2:151,508,069, T deleted on the plus strand (A on the coding strand, the reverse complement: NEB is on the minus strand). VCF-style (leftmost placement, unchanged base first): chr2-151508068-AT-A. GRCh37 (hg19) VCF-style: chr2-152364582-AT-A.
Other names: c.23492del (NM_001271208.1); c.23387del, p.Tyr7796fs (NM_001164507.2); c.23492delA, p.Tyr7831Leufs (NM_001271208.1); c.23492del, p.Tyr7831fs (NM_001271208.2); c.18284del, p.Tyr6095fs (NM_004543.5); short protein forms Y7796fs, Y7831fs, Y6095fs.
Identifiers: ClinVar variation 2897664 (VCV002897664.4), dbSNP rs2552036032, ClinGen allele CA2577119491.